The following is an entry in ClinVar:

ClinVar aggregate classification (germline): Likely pathogenic (1 of 4 stars; one submission).

Conditions:
Neurodevelopmental disorder and structural brain anomalies with or without seizures and spasticity. Identifiers: MedGen C5394423, MONDO:0030046, OMIM 618890.

gnomAD v4.1: 6 of 1,613,070 alleles (0.00037%); highest among the groups gnomAD compares: Middle Eastern, 0.016%; no homozygotes.

Submission:

Institute of Immunology and Genetics Kaiserslautern
Classification: Likely pathogenic for Neurodevelopmental disorder and structural brain anomalies with or without seizures and spasticity. Last evaluated: 2025-04-15. Review status: criteria provided, single submitter. Criteria: ACMG Guidelines, 2015. Collection method: clinical testing. Allele origin: maternal. Affected: no.
Comment: ACMG Criteria: PVS1, PM2 ; Variant was found in heterozygous state.

NM_015466.4(PTPN23):c.3619C>T (p.Arg1207Ter)

Gene: PTPN23 (protein tyrosine phosphatase non-receptor type 23; plus strand). Cytogenetic location: 3p21.31.
Variant type: single nucleotide variant.
Coding change: c.3619C>T on transcript NM_015466.4 (MANE Select); coding-DNA position 3619, C replaced by T.
Protein change: p.Arg1207Ter; replaces arginine 1207 with a stop codon.
Molecular consequence: nonsense.
Genome position (GRCh38, 1-based): chr3:47,411,417, C>T. VCF-style: chr3-47411417-C-T. GRCh37 (hg19) VCF-style: chr3-47452907-C-T.
Other names: c.3241C>T, p.Arg1081Ter (NM_001304482.2); short protein forms R1081*, R1207*.
Identifiers: ClinVar variation 3897559 (VCV003897559.1).